The following is an entry in ClinVar:

ClinVar aggregate classification (germline): Likely pathogenic (1 of 4 stars; one submission).

Conditions:
Autosomal recessive limb-girdle muscular dystrophy type 2J (LGMDR10). Also called: Limb-girdle muscular dystrophy, type 2J; MUSCULAR DYSTROPHY, LIMB-GIRDLE, AUTOSOMAL RECESSIVE 10. Identifiers: Orphanet 140922, MedGen C1837342, MONDO:0012127, OMIM 608807.
Dilated cardiomyopathy 1G (CMD1G). Identifiers: Orphanet 154, MedGen C1858763, MONDO:0011400, OMIM 604145.

Submission:

Labcorp Genetics (formerly Invitae), Labcorp
Classification: Likely pathogenic for Dilated cardiomyopathy 1G; Autosomal recessive limb-girdle muscular dystrophy type 2J. Last evaluated: 2023-02-01. Review status: criteria provided, single submitter. Criteria: Invitae Variant Classification Sherloc (09022015). Collection method: clinical testing. Allele origin: germline.
Comment: This sequence change creates a premature translational stop signal (p.Asn33456Lysfs*13) in the TTN gene. While this is not anticipated to result in nonsense mediated decay, it is expected to create a truncated TTN protein. This variant is not present in population databases (gnomAD no frequency). This variant has not been reported in the literature in individuals affected with TTN-related conditions. This variant is located in the A band of TTN (PMID: 25589632). Truncating variants in this region are significantly overrepresented in patients affected with dilated cardiomyopathy (PMID: 25589632). Truncating variants in this region have also been reported in individuals affected with autosomal recessive centronuclear myopathy (PMID: 23975875). In summary, the currently available evidence indicates that the variant is pathogenic, but additional data are needed to prove that conclusively. Therefore, this variant has been classified as Likely Pathogenic.

Literature cited by the submitters: PubMed 25589632; PubMed 23975875.

NM_001267550.2(TTN):c.100367_100368insGA (p.Asn33456fs)

Genes: TTN-AS1 (TTN antisense RNA 1; plus strand), TTN (titin; minus strand), LOC126806420 (BRD4-independent group 4 enhancer GRCh37_chr2:179401104-179402303; plus strand). Cytogenetic location: 2q31.2.
Variant type: Insertion.
Coding change: c.100367_100368insGA on transcript NM_001267550.2 (MANE Select); coding-DNA positions 100367 to 100368, GA inserted.
Protein change: p.Asn33456fs; shifts the reading frame from asparagine 33456.
Molecular consequence: frameshift variant.
Genome position: GRCh38 VCF-style: chr2-178536379-G-GTC. GRCh37 (hg19) VCF-style: chr2-179401106-G-GTC.
Other names: c.95444_95445insGA, p.Asn31815fs (NM_001256850.1); c.73172_73173insGA, p.Asn24391fs (NM_003319.4); c.92663_92664insGA, p.Asn30888fs (NM_133378.4); c.73547_73548insGA, p.Asn24516fs (NM_133432.3); c.73748_73749insGA, p.Asn24583fs (NM_133437.4); short protein forms N24583fs, N33456fs, N24391fs, N24516fs, N30888fs, N31815fs.
Identifiers: ClinVar variation 2931490 (VCV002931490.3), dbSNP rs2468616125, ClinGen allele CA2740096316.